The following is an entry in ClinVar:

NM_002693.3(POLG):c.1843T>C (p.Ser615Pro)

Gene: POLG (DNA polymerase gamma, catalytic subunit; minus strand). Cytogenetic location: 15q26.1.
Variant type: single nucleotide variant.
Coding change: c.1843T>C on transcript NM_002693.3 (MANE Select); coding-DNA position 1843, T replaced by C.
Protein change: p.Ser615Pro; replaces serine 615 with proline.
Molecular consequence: missense variant.
Genome position (GRCh38, 1-based): chr15:89,325,556, A>G on the plus strand (T>C on the coding strand, the complement: POLG is on the minus strand). VCF-style: chr15-89325556-A-G. GRCh37 (hg19) VCF-style: chr15-89868787-A-G.
Other names: c.1843T>C, p.Ser615Pro (NM_001126131.2); short protein forms S615P.
Identifiers: ClinVar variation 3907282 (VCV003907282.1).

ClinVar aggregate classification (germline): Uncertain significance (1 of 4 stars; one submission).

Submission:

Women's Health and Genetics/Laboratory Corporation of America, LabCorp
Classification: Uncertain significance. Last evaluated: 2025-06-09. Review status: criteria provided, single submitter. Criteria: LabCorp Variant Classification Summary - May 2015. Collection method: clinical testing. Allele origin: germline.
Comment: Variant summary: POLG c.1843T>C (p.Ser615Pro) results in a non-conservative amino acid change in the encoded protein sequence. Algorithms developed to predict the effect of missense changes on protein structure and function all suggest that this variant is likely to be disruptive. The variant was absent in 250912 control chromosomes. The available data on variant occurrences in the general population are insufficient to allow any conclusion about variant significance. c.1843T>C has been observed in the presumed compound heterozygous state in at least 1 individual(s) affected with autosomal recessive Mitochondrial DNA Depletion Syndrome - POLG Related (example, Bychkov_2021). These data do not allow any conclusion about variant significance. To our knowledge, no experimental evidence demonstrating an impact on protein function has been reported. The following publication has been ascertained in the context of this evaluation (PMID: 33486010). No submitters have cited clinical-significance assessments for this variant to ClinVar. Based on the evidence outlined above, the variant was classified as uncertain significance.

Literature cited by the submitters: PubMed 33486010.